The following is an entry in ClinVar:

NM_058216.3(RAD51C):c.-7G>A

Gene: RAD51C (RAD51 paralog C; plus strand). Cytogenetic location: 17q22.
Variant type: single nucleotide variant.
Coding change: c.-7G>A on transcript NM_058216.3 (MANE Select); 7 bases upstream of the start codon, G replaced by A.
Molecular consequence: 5 prime UTR variant. On other transcripts: non-coding transcript variant (2).
Genome position (GRCh38, 1-based): chr17:58,692,637, G>A. VCF-style: chr17-58692637-G-A. GRCh37 (hg19) VCF-style: chr17-56769998-G-A.
Other names: c.-7G>A (NM_002876.4).
Identifiers: ClinVar variation 382213 (VCV000382213.4), dbSNP rs753249247, ClinGen allele CA8677113.
Genomic context (GRCh38, chr17:58,692,637, plus strand): 5'-TCACGCCGCACGCCCCAGCGAGGGCGTGCGGAGTTTGGCTGCTCCGGGGTTAGCAGGTGA[G>A]CCTGCGATGCGCGGGAAGACGTTCCGCTTTGAAATGCAGCGGGATTTGGTGAGTTTCCCG-3'

ClinVar aggregate classification (germline): Conflicting classifications of pathogenicity. Review status: criteria provided, conflicting classifications (1 of 4 stars). 3 submissions from 3 submitters: Uncertain significance (1); Likely benign (2). Last evaluated 2023-05-16.

Conditions:
Hereditary cancer-predisposing syndrome. Also called: Tumor predisposition; Hereditary neoplastic syndrome; Neoplastic Syndromes, Hereditary; Hereditary Cancer Syndrome. Identifiers: Orphanet 140162, MedGen C0027672, MeSH D009386, MONDO:0015356.

gnomAD v4.1: 11 of 1,614,004 alleles (0.00068%); highest among the groups gnomAD compares: East Asian, 0.0067%; no homozygotes.

Submissions (3):

Quest Diagnostics Nichols Institute San Juan Capistrano
Classification: Uncertain significance. Last evaluated: 2023-05-16. Review status: criteria provided, single submitter. Criteria: Quest Diagnostics criteria. Collection method: clinical testing. Allele origin: unknown.
Comment: To the best of our knowledge, this variant has not been reported in the published literature. The frequency of this variant in the general population, 0.000016 (4/251118 chromosomes (Genome Aggregation Database)), is uninformative in the assessment of its pathogenicity. Based on the available information, we are unable to determine the clinical significance of this variant.

Color Diagnostics, LLC DBA Color Health
Classification: Likely benign for Hereditary cancer-predisposing syndrome. Last evaluated: 2018-07-24. Review status: criteria provided, single submitter. Criteria: ACMG Guidelines, 2015. Collection method: clinical testing. Allele origin: germline.

GeneDx
Classification: Likely benign. Last evaluated: 2015-12-09. Review status: criteria provided, single submitter. Criteria: GeneDx Variant Classification (06012015). Collection method: clinical testing. Allele origin: germline. Affected: yes.
Comment: This variant is considered likely benign or benign based on one or more of the following criteria: it is a conservative change, it occurs at a poorly conserved position in the protein, it is predicted to be benign by multiple in silico algorithms, and/or has population frequency not consistent with disease.